The following is an entry in ClinVar:

ClinVar aggregate classification (germline): Uncertain significance. Review status: criteria provided, multiple submitters, no conflicts (2 of 4 stars). 4 submissions from 4 submitters: Uncertain significance (4). Last evaluated 2026-09-01.

Allele frequency attached by ClinVar (database versions not stated): TOPMed 0.00002; ESP Exome Variant Server 0.00008.
gnomAD v4.1: 71 of 1,614,004 alleles (0.0044%); highest among the groups gnomAD compares: Non-Finnish European, 0.005%; no homozygotes.

Submissions (4):

CeGaT Center for Human Genetics Tuebingen
Classification: Uncertain significance. Last evaluated: 2026-09-01. Review status: criteria provided, single submitter. Criteria: CeGaT Center For Human Genetics Tuebingen Variant Classification Criteria Version 2. Collection method: clinical testing. Allele origin: germline. Affected: yes. Observed: 1 variant allele.
Comment: MYO15A: PM2, PM5:Supporting, BP4

Blueprint Genetics
Classification: Uncertain significance. Last evaluated: 2024-10-31. Review status: criteria provided, single submitter. Criteria: ACMG Guidelines, 2015. Collection method: clinical testing. Allele origin: germline.

Labcorp Genetics (formerly Invitae), Labcorp
Classification: Uncertain significance. Last evaluated: 2024-10-22. Review status: criteria provided, single submitter. Criteria: Invitae Variant Classification Sherloc (09022015). Collection method: clinical testing. Allele origin: germline.
Comment: This sequence change replaces threonine, which is neutral and polar, with isoleucine, which is neutral and non-polar, at codon 2517 of the MYO15A protein (p.Thr2517Ile). This variant is present in population databases (rs201119351, gnomAD 0.02%). This variant has not been reported in the literature in individuals affected with MYO15A-related conditions. ClinVar contains an entry for this variant (Variation ID: 546151). Invitae Evidence Modeling of protein sequence and biophysical properties (such as structural, functional, and spatial information, amino acid conservation, physicochemical variation, residue mobility, and thermodynamic stability) indicates that this missense variant is not expected to disrupt MYO15A protein function with a negative predictive value of 95%. In summary, the available evidence is currently insufficient to determine the role of this variant in disease. Therefore, it has been classified as a Variant of Uncertain Significance.

GeneDx
Classification: Uncertain significance. Last evaluated: 2018-05-01. Review status: criteria provided, single submitter. Criteria: GeneDx Variant Classification (06012015). Collection method: clinical testing. Allele origin: germline. Affected: yes.
Comment: The T2517I variant has not been published as a pathogenic variant, nor has it been reported as a benign variant to our knowledge. The variant is observed in 4/25732 (0.01554%) alleles from individuals of European background in large population cohorts (Lek et al., 2016). T2517I is a non-conservative amino acid substitution, which is likely to impact secondary protein structure as these residues differ in polarity, charge, size and/or other properties. However, in-silico analyses, including protein predictors and evolutionary conservation, support that this variant does not alter protein structure/function. In summary, based on the currently available information, it is unclear whether this variant is a pathogenic variant or a rare benign variant.

NM_016239.4(MYO15A):c.7550C>T (p.Thr2517Ile)

Gene: MYO15A (myosin XVA; plus strand). Cytogenetic location: 17p11.2.
Variant type: single nucleotide variant.
Coding change: c.7550C>T on transcript NM_016239.4 (MANE Select); coding-DNA position 7550, C replaced by T.
Protein change: p.Thr2517Ile; replaces threonine 2517 with isoleucine.
Molecular consequence: missense variant.
Genome position (GRCh38, 1-based): chr17:18,151,186, C>T. VCF-style: chr17-18151186-C-T. GRCh37 (hg19) VCF-style: chr17-18054500-C-T.
Other names: short protein forms T2517I.
Identifiers: ClinVar variation 546151 (VCV000546151.6), dbSNP rs201119351, ClinGen allele CA8424882.